The following is an entry in ClinVar:

NM_006516.4(SLC2A1):c.19-12G>A

Gene: SLC2A1 (solute carrier family 2 member 1; minus strand). Cytogenetic location: 1p34.2.
Variant type: single nucleotide variant.
Coding change: c.19-12G>A on transcript NM_006516.4 (MANE Select); 12 bases into the intron before coding-DNA position 19, G replaced by A.
Molecular consequence: intron variant.
Genome position (GRCh38, 1-based): chr1:42,943,333, C>T on the plus strand (G>A on the coding strand, the complement: SLC2A1 is on the minus strand). VCF-style: chr1-42943333-C-T. GRCh37 (hg19) VCF-style: chr1-43409004-C-T.
Identifiers: ClinVar variation 207179 (VCV000207179.9), dbSNP rs372344816, ClinGen allele CA318409.

ClinVar aggregate classification (germline): Benign/Likely benign. Review status: criteria provided, multiple submitters, no conflicts (2 of 4 stars). 7 submissions from 3 submitters: Benign (6); Likely benign (1). Last evaluated 2026-01-07.

Conditions:
Hereditary cryohydrocytosis with reduced stomatin. Also called: GLUT1 DEFICIENCY SYNDROME WITH PSEUDOHYPERKALEMIA AND HEMOLYSIS; Stomatin-deficient cryohydrocytosis with neurologic defects. Identifiers: Orphanet 168577, MedGen C1837206, MONDO:0012143, OMIM 608885.
Encephalopathy due to GLUT1 deficiency. Also called: GLUT1 deficiency syndrome 1, infantile onset, severe; GLUCOSE TRANSPORT DEFECT, BLOOD-BRAIN BARRIER; Classic Glucose Transporter Type 1 Deficiency Syndrome; De Vivo disease; GLUT1 deficiency syndrome 1; Glucose transporter protein syndrome. Identifiers: Orphanet 71277, MedGen C4551966, MONDO:0011724, OMIM 606777.
Dystonia 9 (DYT9). Also called: CHOREOATHETOSIS, KINESIGENIC, WITH EPISODIC ATAXIA AND SPASTICITY. Identifiers: Orphanet 53583, MedGen C1832855, MONDO:0010983, OMIM 601042.
Epilepsy, idiopathic generalized, susceptibility to, 12 (EIG12). Identifiers: MedGen C3553859, MONDO:0013919, OMIM 614847.
Childhood onset GLUT1 deficiency syndrome 2. Also called: GLUT1 deficiency syndrome 2; PxMD-SLC2A1; Exertion-induced paroxysmal dyskinesia; PAROXYSMAL EXERCISE-INDUCED DYSKINESIA WITH OR WITHOUT EPILEPSY AND/OR HEMOLYTIC ANEMIA; PAROXYSMAL EXERTION-INDUCED DYSTONIA WITH OR WITHOUT EPILEPSY AND/OR HEMOLYTIC ANEMIA; PED WITH OR WITHOUT EPILEPSY AND/OR HEMOLYTIC ANEMIA. Identifiers: Orphanet 98811, MedGen C1842534, MONDO:0012805, OMIM 612126.
GLUT1 deficiency syndrome 1, autosomal recessive. Identifiers: MedGen C3149117.

Allele frequency attached by ClinVar (database versions not stated): TOPMed 0.00004; gnomAD 0.00005 and 0.00006; ExAC 0.00010; ESP Exome Variant Server 0.00015.
gnomAD v4.1: 101 of 1,602,122 alleles (0.0063%); highest among the groups gnomAD compares: Non-Finnish European, 0.0084%; no homozygotes.

Submissions (7):

Labcorp Genetics (formerly Invitae), Labcorp
Classification: Likely benign for GLUT1 deficiency syndrome 1, autosomal recessive. Last evaluated: 2026-01-07. Review status: criteria provided, single submitter. Criteria: Invitae Variant Classification Sherloc (09022015). Collection method: clinical testing. Allele origin: germline.

Genome-Nilou Lab
Classification: Benign for Epilepsy, idiopathic generalized, susceptibility to, 12. Last evaluated: 2023-04-11. Review status: criteria provided, single submitter. Criteria: ACMG Guidelines, 2015. Collection method: clinical testing. Allele origin: germline. Affected: no.

Genome-Nilou Lab
Classification: Benign for Dystonia 9. Last evaluated: 2023-04-11. Review status: criteria provided, single submitter. Criteria: ACMG Guidelines, 2015. Collection method: clinical testing. Allele origin: germline. Affected: no.

Genome-Nilou Lab
Classification: Benign for Encephalopathy due to GLUT1 deficiency. Last evaluated: 2023-04-11. Review status: criteria provided, single submitter. Criteria: ACMG Guidelines, 2015. Collection method: clinical testing. Allele origin: germline. Affected: no.

Genome-Nilou Lab
Classification: Benign for Childhood onset GLUT1 deficiency syndrome 2. Last evaluated: 2023-04-11. Review status: criteria provided, single submitter. Criteria: ACMG Guidelines, 2015. Collection method: clinical testing. Allele origin: germline. Affected: no.

Genome-Nilou Lab
Classification: Benign for Hereditary cryohydrocytosis with reduced stomatin. Last evaluated: 2023-04-11. Review status: criteria provided, single submitter. Criteria: ACMG Guidelines, 2015. Collection method: clinical testing. Allele origin: germline. Affected: no.

GeneDx
Classification: Benign. Last evaluated: 2014-12-16. Review status: criteria provided, single submitter. Criteria: GeneDx Variant Classification (06012015). Collection method: clinical testing. Allele origin: germline. Affected: yes.
Comment: This variant is considered likely benign or benign based on one or more of the following criteria: it is a conservative change, it occurs at a poorly conserved position in the protein, it is predicted to be benign by multiple in silico algorithms, and/or has population frequency not consistent with disease.